The following is an entry in ClinVar:

NM_003680.4(YARS1):c.611A>C (p.Tyr204Ser)

Gene: YARS1 (tyrosyl-tRNA synthetase 1; minus strand). Cytogenetic location: 1p35.1.
Variant type: single nucleotide variant.
Coding change: c.611A>C on transcript NM_003680.4 (MANE Select); coding-DNA position 611, A replaced by C.
Protein change: p.Tyr204Ser; replaces tyrosine 204 with serine.
Molecular consequence: missense variant.
Genome position (GRCh38, 1-based): chr1:32,791,235, T>G on the plus strand (A>C on the coding strand, the complement: YARS1 is on the minus strand). VCF-style: chr1-32791235-T-G. GRCh37 (hg19) VCF-style: chr1-33256836-T-G.
Other names: Y204C; short protein forms Y204S.
Identifiers: ClinVar variation 986742 (VCV000986742.5), dbSNP rs1217293329, ClinGen allele CA339686438.

ClinVar aggregate classification (germline): Uncertain significance. Review status: no assertion criteria provided (0 of 4 stars). 2 submissions from 2 submitters: Uncertain significance (2). Last evaluated 2022-07-21.

Conditions:
Neurologic, endocrine, and pancreatic disease, multisystem, infantile-onset 2 (IMNEPD2). Also called: YARS1 Deficiency. Identifiers: MedGen C5543623, MONDO:0030375, OMIM 619418.
Anemia. Also called: Anemia (disease). Identifiers: MedGen C0002871, MONDO:0002280, HP:0001903.
Cholestatic liver disease. Identifiers: MedGen C0860204, HP:0002611.
Hyperinsulinemic hypoglycemia. Also called: Hyperinsulinemic hypoglycemia (disease); Hyperinsulinemia hypoglycemia. Identifiers: Orphanet 443095, MedGen C1864903, MONDO:0005803, HP:0000825.
Global developmental delay (DD). Also called: Cognitive delay. Identifiers: MedGen C0557874, HP:0001263. Disease mechanism: loss of function.
Liver failure. Also called: Hepatic failure. Identifiers: MedGen C0085605, MONDO:0100192, HP:0001399.
Acute kidney injury. Identifiers: MedGen C2609414, MONDO:0002492, HP:0001919.
Recurrent infections. Also called: Recurrent infection. Identifiers: MedGen C0239998, HP:0002719.

Submissions (2):

OMIM
Classification: Uncertain significance for RECLASSIFIED - VARIANT OF UNKNOWN SIGNIFICANCE. Last evaluated: 2022-07-21. Review status: no assertion criteria provided. Collection method: literature only. Allele origin: germline.

Center for Human Genetics, University Hospitals Cleveland Medical Center
Classification: Uncertain significance for Liver failure; Hyperinsulinemic hypoglycemia; Cholestatic liver disease; Recurrent infections; Acute kidney injury; Global developmental delay; Anemia. Last evaluated: 2019-10-01. Review status: no assertion criteria provided. Collection method: clinical testing. Allele origin: inherited. Inheritance: Autosomal recessive inheritance. Affected: yes. Observed: 1 homozygote.
Comment: The p.Tyr204Cys variant in exon 6 of the YARS gene has not been reported in the scientific literature or disease-associated variant databases. It is present in the Genome Aggregation Database with a minor allele frequency of 0.0032% (1/31388 alleles, 0 homozygotes) where it was observed in the African sub-population with an allele frequency of 0.0115% (1/8712 alleles). Given the small number of individuals reported thus far, the variant spectrum of YARS-related disorders is not well-established; however, missense variants have been previously reported in affected individuals including another variant just downstream in exon 6(c.638C>T, Pro213Leu), which also impacts a highly conserved residue in the catalytic domain (Nowaczyk 2017, PMID: 27633801). Computational prediction tools and conservation analysis suggest a possible impact to protein function; however, this information is not sufficient to establish pathogenicity. Biallelic variants in the YARS gene have been reported in a small number of individuals with a history of premature birth, poor postnatal growth, microcephaly with long forehead, global developmental delay, hyperbilirubinemia, cholestasis, persistent hypoglycemia, and anemia which overlap with the individual's phenotype. The similarities between this individual and the reported phenotype, as well as the location of this homozygous variant, are highly suspicious.

Literature cited by the submitters: PubMed 33490854 (cited by OMIM); PubMed 27633801 (cited by Center for Human Genetics, University Hospitals Cleveland Medical Center).